The following is an entry in ClinVar:

NM_000562.3(C8A):c.1094T>C (p.Leu365Pro)

Gene: C8A (complement C8 alpha chain; plus strand). Cytogenetic location: 1p32.2.
Variant type: single nucleotide variant.
Coding change: c.1094T>C on transcript NM_000562.3 (MANE Select); coding-DNA position 1094, T replaced by C.
Protein change: p.Leu365Pro; replaces leucine 365 with proline.
Molecular consequence: missense variant.
Genome position (GRCh38, 1-based): chr1:56,886,165, T>C. VCF-style: chr1-56886165-T-C. GRCh37 (hg19) VCF-style: chr1-57351838-T-C.
Other names: short protein forms L365P.
Identifiers: ClinVar variation 1912843 (VCV001912843.5), dbSNP rs2522553439, ClinGen allele CA340509157.

ClinVar aggregate classification (germline): Uncertain significance (1 of 4 stars; one submission).

Allele frequency attached by ClinVar (database versions not stated): gnomAD exomes below 0.00001.
gnomAD v4.1: 2 of 1,613,840 alleles (0.00012%); highest among the groups gnomAD compares: Non-Finnish European, 0.000085%; no homozygotes.

Submission:

Labcorp Genetics (formerly Invitae), Labcorp
Classification: Uncertain significance. Last evaluated: 2022-02-27. Review status: criteria provided, single submitter. Criteria: Invitae Variant Classification Sherloc (09022015). Collection method: clinical testing. Allele origin: germline.
Comment: This sequence change replaces leucine, which is neutral and non-polar, with proline, which is neutral and non-polar, at codon 365 of the C8A protein (p.Leu365Pro). This variant is not present in population databases (gnomAD no frequency). In summary, the available evidence is currently insufficient to determine the role of this variant in disease. Therefore, it has been classified as a Variant of Uncertain Significance. Algorithms developed to predict the effect of missense changes on protein structure and function are either unavailable or do not agree on the potential impact of this missense change (SIFT: "Tolerated"; PolyPhen-2: "Possibly Damaging"; Align-GVGD: "Class C0"). This variant has not been reported in the literature in individuals affected with C8A-related conditions.